The following is an entry in ClinVar:

NM_144997.7(FLCN):c.325C>T (p.His109Tyr)

Gene: FLCN (folliculin; minus strand). Cytogenetic location: 17p11.2.
Variant type: single nucleotide variant.
Coding change: c.325C>T on transcript NM_144997.7 (MANE Select); coding-DNA position 325, C replaced by T.
Protein change: p.His109Tyr; replaces histidine 109 with tyrosine.
Molecular consequence: missense variant.
Genome position (GRCh38, 1-based): chr17:17,226,247, G>A on the plus strand (C>T on the coding strand, the complement: FLCN is on the minus strand). VCF-style: chr17-17226247-G-A. GRCh37 (hg19) VCF-style: chr17-17129561-G-A.
Other names: c.325C>T, p.His109Tyr (NM_001353229.2, NM_001353230.2, NM_001353231.2 and 1 more transcripts); short protein forms H109Y.
Identifiers: ClinVar variation 834199 (VCV000834199.9), dbSNP rs2047244929, ClinGen allele CA398534836.

ClinVar aggregate classification (germline): Uncertain significance. Review status: criteria provided, multiple submitters, no conflicts (2 of 4 stars). 2 submissions from 2 submitters: Uncertain significance (2). Last evaluated 2025-11-25.

Conditions:
Birt-Hogg-Dube syndrome. Also called: Birt Hogg Dubé syndrome. Identifiers: Orphanet 122, MedGen C0346010, MONDO:0800444.
Hereditary cancer-predisposing syndrome. Also called: Neoplastic Syndromes, Hereditary; Hereditary neoplastic syndrome; Tumor predisposition; Hereditary Cancer Syndrome. Identifiers: Orphanet 140162, MedGen C0027672, MeSH D009386, MONDO:0015356.

Allele frequency attached by ClinVar (database versions not stated): gnomAD exomes below 0.00001.
gnomAD v4.1: 1 of 1,614,164 alleles (0.000062%); highest among the groups gnomAD compares: South Asian, 0.0011%; no homozygotes.

Submissions (2):

Ambry Genetics
Classification: Uncertain significance for Hereditary cancer-predisposing syndrome. Last evaluated: 2025-11-25. Review status: criteria provided, single submitter. Criteria: Ambry Variant Classification Scheme 2023. Collection method: clinical testing. Allele origin: germline.
Comment: The p.H109Y variant (also known as c.325C>T), located in coding exon 2 of the FLCN gene, results from a C to T substitution at nucleotide position 325. The histidine at codon 109 is replaced by tyrosine, an amino acid with similar properties. This amino acid position is conserved. In addition, the in silico prediction for this alteration is inconclusive. Based on the available evidence, the clinical significance of this variant remains unclear.

Labcorp Genetics (formerly Invitae), Labcorp
Classification: Uncertain significance for Birt-Hogg-Dube syndrome. Last evaluated: 2025-09-22. Review status: criteria provided, single submitter. Criteria: Invitae Variant Classification Sherloc (09022015). Collection method: clinical testing. Allele origin: germline.
Comment: This sequence change replaces histidine, which is basic and polar, with tyrosine, which is neutral and polar, at codon 109 of the FLCN protein (p.His109Tyr). This variant is not present in population databases (gnomAD no frequency). This variant has not been reported in the literature in individuals affected with FLCN-related conditions. ClinVar contains an entry for this variant (Variation ID: 834199). Invitae Evidence Modeling of protein sequence and biophysical properties (such as structural, functional, and spatial information, amino acid conservation, physicochemical variation, residue mobility, and thermodynamic stability) indicates that this missense variant is not expected to disrupt FLCN protein function with a negative predictive value of 80%. In summary, the available evidence is currently insufficient to determine the role of this variant in disease. Therefore, it has been classified as a Variant of Uncertain Significance.